The following is an entry in ClinVar:

ClinVar aggregate classification (germline): Uncertain significance (1 of 4 stars; one submission).

Conditions:
Alstrom syndrome (ALMS). Identifiers: Orphanet 64, MedGen C0268425, MONDO:0008763, OMIM 203800.

Allele frequency attached by ClinVar (database versions not stated): gnomAD exomes 0.00001; TOPMed 0.00001; ExAC 0.00003.
gnomAD v4.1: 13 of 1,613,990 alleles (0.00081%); highest among the groups gnomAD compares: Non-Finnish European, 0.001%; no homozygotes.

Submission:

Labcorp Genetics (formerly Invitae), Labcorp
Classification: Uncertain significance for Alstrom syndrome. Last evaluated: 2022-05-31. Review status: criteria provided, single submitter. Criteria: Invitae Variant Classification Sherloc (09022015). Collection method: clinical testing. Allele origin: germline.
Comment: This sequence change replaces lysine, which is basic and polar, with arginine, which is basic and polar, at codon 770 of the ALMS1 protein (p.Lys770Arg). This variant is present in population databases (rs767732202, gnomAD 0.002%). This variant has not been reported in the literature in individuals affected with ALMS1-related conditions. Experimental studies and prediction algorithms are not available or were not evaluated, and the functional significance of this variant is currently unknown. In summary, the available evidence is currently insufficient to determine the role of this variant in disease. Therefore, it has been classified as a Variant of Uncertain Significance.

NM_001378454.1(ALMS1):c.2306A>G (p.Lys769Arg)

Gene: ALMS1 (ALMS1 centrosome and basal body associated protein; plus strand). Cytogenetic location: 2p13.1.
Variant type: single nucleotide variant.
Coding change: c.2306A>G on transcript NM_001378454.1 (MANE Select); coding-DNA position 2306, A replaced by G.
Protein change: p.Lys769Arg; replaces lysine 769 with arginine.
Molecular consequence: missense variant.
Genome position (GRCh38, 1-based): chr2:73,448,833, A>G. VCF-style: chr2-73448833-A-G. GRCh37 (hg19) VCF-style: chr2-73675960-A-G.
Other names: c.2309A>G, p.Lys770Arg (NM_015120.4); short protein forms K769R, K770R.
Identifiers: ClinVar variation 2140879 (VCV002140879.1), dbSNP rs767732202, ClinGen allele CA1713321.